The following is an entry in ClinVar:

ClinVar aggregate classification (germline): Uncertain significance. Review status: criteria provided, multiple submitters, no conflicts (2 of 4 stars). 3 submissions from 3 submitters: Uncertain significance (3). Last evaluated 2024-07-17.

Conditions:
Severe combined immunodeficiency due to IKK2 deficiency. Also called: IMMUNODEFICIENCY 15B; Immunodeficiency 15. Identifiers: Orphanet 397787, MedGen C4747743, MONDO:0014267, OMIM 615592.
Immunodeficiency 15a. Identifiers: Orphanet 700205, MedGen C4748694, MONDO:0032599, OMIM 618204.

Allele frequency attached by ClinVar (database versions not stated): TOPMed below 0.00001; gnomAD 0.00001; gnomAD exomes 0.00001; ExAC 0.00002.
gnomAD v4.1: 16 of 1,613,124 alleles (0.00099%); highest among the groups gnomAD compares: South Asian, 0.018%; no homozygotes.

Submissions (3):

Blueprint Genetics
Classification: Uncertain significance. Last evaluated: 2024-07-17. Review status: criteria provided, single submitter. Criteria: ACMG Guidelines, 2015. Collection method: clinical testing. Allele origin: germline.

Neuberg Centre For Genomic Medicine, NCGM
Classification: Uncertain significance for Immunodeficiency 15a. Last evaluated: 2024-02-01. Review status: criteria provided, single submitter. Criteria: ACMG Guidelines, 2015. Collection method: clinical testing. Allele origin: germline. Inheritance: Autosomal dominant inheritance.
Comment: The missense variant c.1600G>A (p.Val534Ile) in the IKBKB gene has not been reported previously as a pathogenic variant nor as a benign variant, to our knowledge. The amino acid Val at position 534 is changed to a Ile changing protein sequence and it might alter its composition and physico-chemical properties. For these reasons, this variant has been classified as Uncertain Significance.

Labcorp Genetics (formerly Invitae), Labcorp
Classification: Uncertain significance for Severe combined immunodeficiency due to IKK2 deficiency. Last evaluated: 2022-05-31. Review status: criteria provided, single submitter. Criteria: Invitae Variant Classification Sherloc (09022015). Collection method: clinical testing. Allele origin: germline.
Comment: This sequence change replaces valine, which is neutral and non-polar, with isoleucine, which is neutral and non-polar, at codon 534 of the IKBKB protein (p.Val534Ile). This variant is present in population databases (rs201840157, gnomAD 0.01%). This variant has not been reported in the literature in individuals affected with IKBKB-related conditions. Advanced modeling of protein sequence and biophysical properties (such as structural, functional, and spatial information, amino acid conservation, physicochemical variation, residue mobility, and thermodynamic stability) performed at Invitae indicates that this missense variant is not expected to disrupt IKBKB protein function. In summary, the available evidence is currently insufficient to determine the role of this variant in disease. Therefore, it has been classified as a Variant of Uncertain Significance.

NM_001556.3(IKBKB):c.1600G>A (p.Val534Ile)

Gene: IKBKB (inhibitor of nuclear factor kappa B kinase subunit beta; plus strand). Cytogenetic location: 8p11.21.
Variant type: single nucleotide variant.
Coding change: c.1600G>A on transcript NM_001556.3 (MANE Select); coding-DNA position 1600, G replaced by A.
Protein change: p.Val534Ile; replaces valine 534 with isoleucine.
Molecular consequence: missense variant. On other transcripts: non-coding transcript variant (3).
Genome position (GRCh38, 1-based): chr8:42,320,756, G>A. VCF-style: chr8-42320756-G-A. GRCh37 (hg19) VCF-style: chr8-42178274-G-A.
Other names: c.1408G>A, p.Val470Ile (NM_001190720.3); c.1423G>A, p.Val475Ile (NM_001242778.2); short protein forms V470I, V475I, V534I.
Identifiers: ClinVar variation 2414337 (VCV002414337.7), dbSNP rs201840157, ClinGen allele CA4732059.